The following is an entry in ClinVar:

ClinVar aggregate classification (germline): Uncertain significance (1 of 4 stars; one submission).

Submission:

Labcorp Genetics (formerly Invitae), Labcorp
Classification: Uncertain significance. Last evaluated: 2022-07-09. Review status: criteria provided, single submitter. Criteria: Invitae Variant Classification Sherloc (09022015). Collection method: clinical testing. Allele origin: germline.
Comment: This sequence change creates a premature translational stop signal (p.Phe104Metfs*14) in the RASA2 gene. It is expected to result in an absent or disrupted protein product. However, the current clinical and genetic evidence is not sufficient to establish whether loss-of-function variants in RASA2 cause disease. This variant is not present in population databases (gnomAD no frequency). This variant has not been reported in the literature in individuals affected with RASA2-related conditions. In summary, the available evidence is currently insufficient to determine the role of this variant in disease. Therefore, it has been classified as a Variant of Uncertain Significance.

NM_006506.5(RASA2):c.310_313del (p.Phe104fs)

Gene: RASA2 (RAS p21 protein activator 2; plus strand). Cytogenetic location: 3q23.
Variant type: Deletion.
Coding change: c.310_313del on transcript NM_006506.5 (MANE Select); coding-DNA positions 310 to 313, 4 bases deleted (TTCT; older notation c.310_313delTTCT).
Protein change: p.Phe104fs; shifts the reading frame from phenylalanine 104.
Molecular consequence: frameshift variant.
Genome position (GRCh38, 1-based): chr3:141,516,386-141,516,389, TTCT deleted; deleting any 4 consecutive bases within chr3:141,516,383-141,516,389 gives the same sequence; the c. name uses the placement nearest the transcript's 3' end. VCF-style (leftmost placement, unchanged base first): chr3-141516382-GTCTT-G. GRCh37 (hg19) VCF-style: chr3-141235224-GTCTT-G.
Other names: c.310_313del, p.Phe104fs (NM_001303245.3, NM_001303246.3); short protein forms F104fs.
Identifiers: ClinVar variation 1958046 (VCV001958046.5), dbSNP rs2478461060, ClinGen allele CA2577957842.